The following is an entry in ClinVar:

NM_000059.4(BRCA2):c.5593del (p.Ile1865fs)

Gene: BRCA2 (BRCA2 DNA repair associated; plus strand). Cytogenetic location: 13q13.1.
Variant type: Deletion.
Coding change: c.5593del on transcript NM_000059.4 (MANE Select); coding-DNA position 5593, one base deleted (A; older notation c.5593delA).
Protein change: p.Ile1865fs; shifts the reading frame from isoleucine 1865.
Molecular consequence: frameshift variant.
Genome position (GRCh38, 1-based): chr13:32,339,948, A deleted. VCF-style (leftmost placement, unchanged base first): chr13-32339947-CA-C. GRCh37 (hg19) VCF-style: chr13-32914084-CA-C.
Other names: c.5593delA (NM_000059.3); short protein forms I1865fs.
Identifiers: ClinVar variation 422453 (VCV000422453.2), dbSNP rs1064795789, ClinGen allele CA16619727.

ClinVar aggregate classification (germline): Pathogenic. Review status: reviewed by expert panel (3 of 4 stars). 2 submissions from 2 submitters: Pathogenic (1). 1 of the submissions does not count toward it. Last evaluated 2017-12-15.

Conditions:
Breast-ovarian cancer, familial, susceptibility to, 2 (BROVCA2). Also called: BRCA2 Hereditary Breast and Ovarian Cancer. Identifiers: Orphanet 145, MedGen C2675520, MONDO:0012933, OMIM 612555. Disease mechanism: loss of function.

Submissions (2):

Evidence-based Network for the Interpretation of Germline Mutant Alleles (ENIGMA)
Classification: Pathogenic for Breast-ovarian cancer, familial, susceptibility to, 2. Last evaluated: 2017-12-15. Review status: reviewed by expert panel. Criteria: ENIGMA BRCA1/2 Classification Criteria (2017-06-29). Collection method: curation. Allele origin: germline. Study: ENIGMA.
Comment: Variant allele predicted to encode a truncated non-functional protein.

GeneDx
Classification: Pathogenic. Last evaluated: 2016-10-10. Review status: criteria provided, single submitter. Criteria: GeneDx Variant Classification (06012015). Collection method: clinical testing. Allele origin: germline. Affected: yes. Not counted in ClinVar's aggregate classification.
Comment: This deletion of one nucleotide in BRCA2 is denoted c.5593delA at the cDNA level and p.Ile1865TyrfsX9 (I1865YfsX9) at the protein level. Using alternate nomenclature, this variant would be defined as BRCA2 5821delA. The normal sequence, with the base that is deleted in braces, is AGAC[A]TATT. The deletion causes a frameshift which changes an Isoleucine to a Tyrosine at codon 1865, and creates a premature stop codon at position 9 of the new reading frame. Although this variant has not, to our knowledge, been reported in the literature, it is predicted to cause loss of normal protein function through either protein truncation or nonsense-mediated mRNA decay. We consider this variant to be pathogenic.